The following is an entry in ClinVar:

NM_001009944.3(PKD1):c.1643C>T (p.Ala548Val)

Gene: PKD1 (polycystin 1, transient receptor potential channel interacting; minus strand). Cytogenetic location: 16p13.3.
Variant type: single nucleotide variant.
Coding change: c.1643C>T on transcript NM_001009944.3 (MANE Select); coding-DNA position 1643, C replaced by T.
Protein change: p.Ala548Val; replaces alanine 548 with valine.
Molecular consequence: missense variant.
Genome position (GRCh38, 1-based): chr16:2,116,608, G>A on the plus strand (C>T on the coding strand, the complement: PKD1 is on the minus strand). VCF-style: chr16-2116608-G-A. GRCh37 (hg19) VCF-style: chr16-2166609-G-A.
Other names: c.1643C>T, p.Ala548Val (NM_000296.4); c.1643C>T (NM_000296.3); short protein forms A548V.
Identifiers: ClinVar variation 433948 (VCV000433948.3), dbSNP rs768613812, ClinGen allele CA7833459.

ClinVar aggregate classification (germline): Likely benign. Review status: criteria provided, single submitter (1 of 4 stars). 2 submissions from 2 submitters: Likely benign (1). 1 of the submissions does not count toward it. Last evaluated 2025-02-26.

Conditions:
Inborn genetic diseases. Identifiers: MedGen C0950123, MeSH D030342.
Autosomal dominant polycystic kidney disease. Identifiers: Orphanet 730, MedGen C0085413, MONDO:0004691.

Allele frequency attached by ClinVar (database versions not stated): gnomAD 0.00001; TOPMed 0.00001; ExAC 0.00005.
gnomAD v4.1: 42 of 1,560,522 alleles (0.0027%); highest among the groups gnomAD compares: Non-Finnish European, 0.0033%; no homozygotes.

Submissions (2):

Ambry Genetics
Classification: Likely benign for Inborn genetic diseases. Last evaluated: 2025-02-26. Review status: criteria provided, single submitter. Criteria: Ambry Variant Classification Scheme 2023. Collection method: clinical testing. Allele origin: germline.

Department of Pathology and Laboratory Medicine, Sinai Health System
Classification: Likely benign for Autosomal dominant polycystic kidney disease. Review status: no assertion criteria provided. Collection method: clinical testing. Allele origin: unknown. Affected: yes. Study: The Canadian Open Genetics Repository (COGR). Not counted in ClinVar's aggregate classification.
Comment: The PKD1 p.Ala548Val variant was not identified in the literature nor was it identified in the Clinvitae database, the ClinVar database, GeneInsight COGR database, ADPKD Mutation Database, PKD1-LOVD, and PKD1-LOVD 3.0 (classification). The variant was identified in dbSNP (ID: rs768613812) â€šÃ„ÃºWith unknown alleleâ€šÃ„Ã¹, and in the Exome Aggregation Consortium (ExAC) database (released Jan 13, 2015) in 1 of 20960 chromosomes (frequency: 0.00005) (or 1 individual from a population of European (Non-Finnish) individuals and none from East Asian, Other, African, Latino, South Asian, or European (Finnish) individuals). The p.Ala548 residue is not conserved in mammals and the variant amino acid Val is present in rat, increasing the likelihood that this variant does not have clinical significance. Computational analyses (PolyPhen-2, SIFT, AlignGVGD, BLOSUM, MutationTaster) do not suggest a high likelihood of impact to the protein; however, this information is not predictive enough to rule out pathogenicity. The variant occurs outside of the splicing consensus sequence and 1 of 5 in silico or computational prediction software programs (SpliceSiteFinder, MaxEntScan, NNSPLICE, GeneSplicer, HumanSpliceFinder) predict a greater than 10% difference in splicing; this is not very predictive of pathogenicity. In summary, based on the above information, the clinical significance of this variant cannot be determined with certainty at this time although we would lean towards a more benign role for this variant. This variant is classified as likely benign.